The following is an entry in ClinVar:

ClinVar aggregate classification (germline): Conflicting classifications of pathogenicity. Review status: criteria provided, conflicting classifications (1 of 4 stars). 6 submissions from 6 submitters: Uncertain significance (2); Benign (1); Likely benign (2). 1 of the submissions does not count toward it. Last evaluated 2026-01-21.

Conditions:
Retinitis pigmentosa (RP). Identifiers: Orphanet 791, MedGen C0035334, MeSH D012174, MONDO:0019200, OMIM 268000. Inheritance: Autosomal dominant, autosomal recessive and X linked inheritance.
Retinitis pigmentosa 43 (RP43). Identifiers: Orphanet 791, MedGen C3151139, MONDO:0013437, OMIM 613810.

Allele frequency attached by ClinVar (database versions not stated): 1000 Genomes Project 0.00300; TOPMed 0.00311; gnomAD 0.00312; 1000 Genomes Project 30x 0.00359; ESP Exome Variant Server 0.00361.

Submissions (6):

Labcorp Genetics (formerly Invitae), Labcorp
Classification: Benign. Last evaluated: 2026-01-21. Review status: criteria provided, single submitter. Criteria: Invitae Variant Classification Sherloc (09022015). Collection method: clinical testing. Allele origin: germline.

Blueprint Genetics
Classification: Likely benign. Last evaluated: 2024-11-13. Review status: criteria provided, single submitter. Criteria: ACMG Guidelines, 2015. Collection method: clinical testing. Allele origin: germline.

ARUP Laboratories, Molecular Genetics and Genomics, ARUP Laboratories
Classification: Likely benign for Retinitis pigmentosa 43. Last evaluated: 2018-07-05. Review status: criteria provided, single submitter. Criteria: ARUP Molecular Germline Variant Investigation Process. Collection method: clinical testing. Allele origin: germline.

Illumina Laboratory Services, Illumina
Classification: Uncertain significance for Retinitis pigmentosa. Last evaluated: 2017-04-27. Review status: criteria provided, single submitter. Criteria: ICSL Variant Classification Criteria 13 December 2019. Collection method: clinical testing. Allele origin: germline.

GeneDx
Classification: Uncertain significance. Last evaluated: 2017-01-30. Review status: criteria provided, single submitter. Criteria: GeneDx Variant Classification (06012015). Collection method: clinical testing. Allele origin: germline. Affected: yes.
Comment: The L516V variant in the PDE6A gene has not been reported previously as a pathogenic variant, nor as a benign variant, to our knowledge. The L516V variant is observed in 113/10390 (1.1%) alleles from individuals of African background, in the ExAC dataset (Lek et al., 2016). The L516V variant is a conservative amino acid substitution, which is not likely to impact secondary protein structure as these residues share similar properties. This substitution occurs at a position that is conserved across species. In silico analysis is inconsistent in its predictions as to whether or not the variant is damaging to the protein structure/function. We interpret L516V as a variant of uncertain significance.

NEI Ophthalmic Genomics Laboratory, National Institutes of Health
No classification provided. Review status: no classification provided. Collection method: not provided. Allele origin: not provided. Not counted in ClinVar's aggregate classification.

NM_000440.3(PDE6A):c.1546C>G (p.Leu516Val)

Gene: PDE6A (phosphodiesterase 6A; minus strand). Cytogenetic location: 5q32.
Variant type: single nucleotide variant.
Coding change: c.1546C>G on transcript NM_000440.3 (MANE Select); coding-DNA position 1546, C replaced by G.
Protein change: p.Leu516Val; replaces leucine 516 with valine.
Molecular consequence: missense variant.
Genome position (GRCh38, 1-based): chr5:149,896,430, G>C on the plus strand (C>G on the coding strand, the complement: PDE6A is on the minus strand). VCF-style: chr5-149896430-G-C. GRCh37 (hg19) VCF-style: chr5-149275993-G-C.
Other names: short protein forms L516V.
Identifiers: ClinVar variation 100556 (VCV000100556.23), dbSNP rs61733362, ClinGen allele CA228873.